The following is an entry in ClinVar:

ClinVar aggregate classification (germline): Uncertain significance (1 of 4 stars; one submission).

Conditions:
Baller-Gerold syndrome (BGS). Also called: CRANIOSYNOSTOSIS WITH RADIAL DEFECTS. Identifiers: Orphanet 1225, MedGen C0265308, MONDO:0009039, OMIM 218600.

Allele frequency attached by ClinVar (database versions not stated): gnomAD exomes below 0.00001 and 0.00003; TOPMed below 0.00001; gnomAD 0.00001; ExAC 0.00122.
gnomAD v4.1: 3 of 1,606,974 alleles (0.00019%); highest among the groups gnomAD compares: Admixed American, 0.0017%; no homozygotes.

Submission:

Labcorp Genetics (formerly Invitae), Labcorp
Classification: Uncertain significance for Baller-Gerold syndrome. Last evaluated: 2023-10-23. Review status: criteria provided, single submitter. Criteria: Invitae Variant Classification Sherloc (09022015). Collection method: clinical testing. Allele origin: germline.
Comment: This sequence change replaces alanine, which is neutral and non-polar, with threonine, which is neutral and polar, at codon 770 of the RECQL4 protein (p.Ala770Thr). The frequency data for this variant in the population databases is considered unreliable, as metrics indicate poor data quality at this position in the gnomAD database. This variant has not been reported in the literature in individuals affected with RECQL4-related conditions. ClinVar contains an entry for this variant (Variation ID: 1025817). Advanced modeling of protein sequence and biophysical properties (such as structural, functional, and spatial information, amino acid conservation, physicochemical variation, residue mobility, and thermodynamic stability) performed at Invitae indicates that this missense variant is expected to disrupt RECQL4 protein function. In summary, the available evidence is currently insufficient to determine the role of this variant in disease. Therefore, it has been classified as a Variant of Uncertain Significance.

NM_004260.4(RECQL4):c.2308G>A (p.Ala770Thr)

Gene: RECQL4 (RecQ like helicase 4; minus strand). Cytogenetic location: 8q24.3.
Variant type: single nucleotide variant.
Coding change: c.2308G>A on transcript NM_004260.4 (MANE Select); coding-DNA position 2308, G replaced by A.
Protein change: p.Ala770Thr; replaces alanine 770 with threonine.
Molecular consequence: missense variant.
Genome position (GRCh38, 1-based): chr8:144,513,373, C>T on the plus strand (G>A on the coding strand, the complement: RECQL4 is on the minus strand). VCF-style: chr8-144513373-C-T. GRCh37 (hg19) VCF-style: chr8-145738756-C-T.
Other names: short protein forms A770T.
Identifiers: ClinVar variation 1025817 (VCV001025817.2), dbSNP rs759107465, ClinGen allele CA4948340.